The following is an entry in ClinVar:

NM_001059.3(TACR3):c.548+2T>C

Gene: TACR3 (tachykinin receptor 3; minus strand). Cytogenetic location: 4q24.
Variant type: single nucleotide variant.
Coding change: c.548+2T>C on transcript NM_001059.3 (MANE Select); the canonical splice donor site of the intron after coding-DNA position 548, T replaced by C.
Molecular consequence: splice donor variant.
Genome position (GRCh38, 1-based): chr4:103,719,126, A>G on the plus strand (T>C on the coding strand, the complement: TACR3 is on the minus strand). VCF-style: chr4-103719126-A-G. GRCh37 (hg19) VCF-style: chr4-104640283-A-G.
Identifiers: ClinVar variation 373350 (VCV000373350.2), dbSNP rs772508077, ClinGen allele CA3031108.

ClinVar aggregate classification (germline): Pathogenic (1 of 4 stars; one submission).

Allele frequency attached by ClinVar (database versions not stated): ExAC 0.00001; gnomAD exomes below 0.00001.
gnomAD v4.1: 2 of 1,613,512 alleles (0.00012%); highest among the groups gnomAD compares: South Asian, 0.0022%; no homozygotes.

Submission:

GeneDx
Classification: Pathogenic. Last evaluated: 2016-11-21. Review status: criteria provided, single submitter. Criteria: GeneDx Variant Classification (06012015). Collection method: clinical testing. Allele origin: germline. Affected: yes.
Comment: The c.548+2 T>C splice site variant in the TACR3 gene destroys the canonical splice donor site in intron 1. It is predicted to cause abnormal gene splicing, either leading to an abnormal message that is subject to nonsense-mediated mRNA decay, or to an abnormal protein product if the message is used for protein translation. The variant was not observed in approximately 6,500 individuals of European and African American ancestry in the NHLBI Exome Sequencing Project, indicating it is not a common benign variant in these populations. Although this pathogenic variant has not been previously reported to our knowledge, we consider it to be pathogenic.